The following is an entry in ClinVar:

ClinVar aggregate classification (germline): Likely pathogenic (1 of 4 stars; one submission).

Conditions:
Pontocerebellar hypoplasia type 8 (PCH8). Identifiers: Orphanet 324569, MedGen C3554209, MONDO:0013990, OMIM 614961.

Submission:

Victorian Clinical Genetics Services, Murdoch Childrens Research Institute
Classification: Likely pathogenic for Pontocerebellar hypoplasia type 8. Last evaluated: 2024-10-09. Review status: criteria provided, single submitter. Criteria: ACMG Guidelines, 2015. Collection method: clinical testing. Allele origin: germline. Inheritance: Autosomal recessive inheritance. Affected: yes.
Comment: Based on the classification scheme VCGS_Germline_v1.3.4, this variant is classified as Likely pathogenic. Following criteria are met: 0102 - Loss of function is a known mechanism of disease in this gene and is associated with pontocerebellar hypoplasia, type 8 (MIM#614961). (I) 0106 - This gene is associated with autosomal recessive disease. (I) 0204 - Variant is predicted to result in a truncated protein (premature termination codon is located within the first 102 nucleotides of the coding sequence and is predicted to escape nonsense-mediated decay). (SP) 0252 - This variant is homozygous. (I) 0301 - Variant is absent from gnomAD (both v2 and v3). (SP) 0703 - Other truncating variants within the first 102 nucleotides comparable to the one identified in this case have moderate previous evidence for pathogenicity. p.(Gln30*) has been classified as pathogenic by several clinical laboratories in ClinVar and as a VUS by one, and has been observed as homozygous in two families with pontocerebellar hypoplasia (PMID: 23023333). p.(Gln7Serfs*2) has also been classified as pathogenic by a clinical laboratory in ClinVar. (SP) 0807 - This variant has no previous evidence of pathogenicity. (I) 0905 - No published segregation evidence has been identified for this variant. (I) 1007 - No published functional evidence has been identified for this variant. (I) 1209 - This variant has been shown to be both maternally and paternally inherited (biallelic). (I) Legend: (SP) - Supporting pathogenic, (I) - Information, (SB) - Supporting benign

Literature cited by the submitters: PubMed 23023333.

NM_002768.5(CHMP1A):c.34del (p.Ala12fs)

Gene: CHMP1A (charged multivesicular body protein 1A; minus strand). Cytogenetic location: 16q24.3.
Variant type: Deletion.
Coding change: c.34del on transcript NM_002768.5 (MANE Select); coding-DNA position 34, one base deleted (G; older notation c.34delG).
Protein change: p.Ala12fs; shifts the reading frame from alanine 12.
Molecular consequence: frameshift variant. On other transcripts: non-coding transcript variant (1).
Genome position (GRCh38, 1-based): chr16:89,651,640, C deleted on the plus strand (G on the coding strand, the reverse complement: CHMP1A is on the minus strand); the first of 2 consecutive C bases (chr16:89,651,640-89,651,641); deleting either gives the same sequence. VCF-style (leftmost placement, unchanged base first): chr16-89651639-GC-G. GRCh37 (hg19) VCF-style: chr16-89718047-GC-G.
Other names: c.14del, p.Gly5fs (NM_001083314.4); short protein forms A12fs, G5fs.
Identifiers: ClinVar variation 3377250 (VCV003377250.1).
Genomic context (GRCh38, chr16:89,651,639, plus strand): 5'-TTGGCCTGCTCCGCCTTGGAGTCCTTCTCCGCCTTCTTGGCCAGCTTCTCCAGCTGCTTC[GC>G]CGTGAACTGAGCGGAAGCCGGAATGTCCTGGGTCAGACATGCGGAGCCCATCCCCCAGGC-3'